The following is an entry in ClinVar:

ClinVar aggregate classification (germline): Uncertain significance (1 of 4 stars; one submission).

Submissions (3):

Dasa
Classification: Uncertain significance. Last evaluated: 2025-05-30. Review status: criteria provided, single submitter. Criteria: DASA Assertion Criteria. Collection method: clinical testing. Allele origin: germline.
Comment: NM_001039591.3(USP9X):c.322G>A (p.Gly108Ser) is a missense variant that results in the substitution of glycine with serine. This variant is absent from population databases. The currently available literature and clinical evidence are not sufficient to establish a definitive association between this variant and the reported condition. Therefore, this variant is classified as a variant of uncertain significance.

Dr. Peter K. Rogan Lab, Western University
No classification provided (evidence only). Condition: Thyroid cancer, nonmedullary, 1. Review status: no classification provided. Collection method: in vitro. Allele origin: not applicable. Functional consequence: retained intron. Not counted in ClinVar's aggregate classification.

Dr. Peter K. Rogan Lab, Western University
No classification provided (evidence only). Condition: Nonpapillary renal cell carcinoma. Review status: no classification provided. Collection method: in vitro. Allele origin: not applicable. Functional consequence: retained intron. Not counted in ClinVar's aggregate classification.

NM_001039591.3(USP9X):c.322G>A (p.Gly108Ser)

Gene: USP9X (ubiquitin specific peptidase 9 X-linked; plus strand). Cytogenetic location: Xp11.4.
Variant type: single nucleotide variant.
Coding change: c.322G>A on transcript NM_001039591.3 (MANE Select); coding-DNA position 322, G replaced by A.
Protein change: p.Gly108Ser; replaces glycine 108 with serine.
Molecular consequence: missense variant.
Genome position (GRCh38, 1-based): chrX:41,131,536, G>A. VCF-style: chrX-41131536-G-A. GRCh37 (hg19) VCF-style: chrX-40990789-G-A.
Other names: NC_000023.10:g.40990789G>A; c.322G>A, p.Gly108Ser (NM_001039590.3, NM_001410748.1, NM_001410749.1 and 1 more transcripts); short protein forms G108S.
Identifiers: ClinVar variation 4488662 (VCV004488662.3).